The following is an entry in ClinVar:

ClinVar aggregate classification (germline): Uncertain significance (1 of 4 stars; one submission).

Conditions:
Desmin-related myofibrillar myopathy (MFM1). Also called: Desmin related myopathy (former name); Desmin storage myopathy (former name); MYOFIBRILLAR MYOPATHY WITH ARRHYTHMOGENIC RIGHT VENTRICULAR CARDIOMYOPATHY; DESMIN-RELATED MYOPATHY WITH ARRHYTHMOGENIC RIGHT VENTRICULAR CARDIOMYOPATHY; Myofibrillar myopathy 1; Desminopathy. Identifiers: Orphanet 363543, Orphanet 98909, MedGen C1832370, MONDO:0011076, OMIM 601419.

Submission:

Labcorp Genetics (formerly Invitae), Labcorp
Classification: Uncertain significance for Desmin-related myofibrillar myopathy. Last evaluated: 2025-10-12. Review status: criteria provided, single submitter. Criteria: Invitae Variant Classification Sherloc (09022015). Collection method: clinical testing. Allele origin: germline.
Comment: This sequence change affects a donor splice site in intron 8 of the DES gene. While this variant is not anticipated to result in nonsense mediated decay, it likely alters RNA splicing and results in a disrupted protein product. This variant is not present in population databases (gnomAD no frequency). Disruption of this splice site has been observed in individual(s) with clinical features of DES-related conditions (PMID: 37227348). ClinVar contains an entry for this variant (Variation ID: 2008585). Variants that disrupt the consensus splice site are a relatively common cause of aberrant splicing (PMID: 17576681, 9536098). Algorithms developed to predict the effect of sequence changes on RNA splicing suggest that this variant may disrupt the consensus splice site. In summary, the available evidence is currently insufficient to determine the role of this variant in disease. Therefore, it has been classified as a Variant of Uncertain Significance.

Literature cited by the submitters: PubMed 37227348; PubMed 17576681; PubMed 9536098.

NM_001927.4(DES):c.1371+1G>T

Gene: DES (desmin; plus strand). Cytogenetic location: 2q35.
Variant type: single nucleotide variant.
Coding change: c.1371+1G>T on transcript NM_001927.4 (MANE Select); the canonical splice donor site of the intron after coding-DNA position 1371, G replaced by T.
Molecular consequence: splice donor variant.
Genome position (GRCh38, 1-based): chr2:219,425,746, G>T. VCF-style: chr2-219425746-G-T. GRCh37 (hg19) VCF-style: chr2-220290468-G-T.
Other names: c.1371+1G>T (NM_001382712.1); c.939+1G>T (NM_001382709.1); c.1368+1G>T (NM_001382708.1); c.1101+1G>T (NM_001382713.1); c.1350+1G>T (NM_001382711.1); c.1302+1G>T (NM_001382710.1).
Identifiers: ClinVar variation 2008585 (VCV002008585.4), dbSNP rs748323823, ClinGen allele CA350698846.